The following is an entry in ClinVar:

NM_153704.6(TMEM67):c.2654T>C (p.Ile885Thr)

Gene: TMEM67 (transmembrane protein 67; plus strand). Cytogenetic location: 8q22.1.
Variant type: single nucleotide variant.
Coding change: c.2654T>C on transcript NM_153704.6 (MANE Select); coding-DNA position 2654, T replaced by C.
Protein change: p.Ile885Thr; replaces isoleucine 885 with threonine.
Molecular consequence: missense variant. On other transcripts: non-coding transcript variant (1).
Genome position (GRCh38, 1-based): chr8:93,809,154, T>C. VCF-style: chr8-93809154-T-C. GRCh37 (hg19) VCF-style: chr8-94821382-T-C.
Other names: c.2411T>C, p.Ile804Thr (NM_001142301.1); short protein forms I885T, I804T.
Identifiers: ClinVar variation 572028 (VCV000572028.2), dbSNP rs1563481671, ClinGen allele CA371699381.

ClinVar aggregate classification (germline): Uncertain significance (1 of 4 stars; one submission).

Conditions:
Meckel-Gruber syndrome. Also called: Dysencephalia splachnocystica; DYSENCEPHALIA SPLANCHNOCYSTICA; GRUBER SYNDROME. Identifiers: Orphanet 564, MedGen C0265215, MONDO:0018921.
Joubert syndrome. Also called: Familial aplasia of the vermis; CEREBELLOPARENCHYMAL DISORDER IV; JOUBERT-BOLTSHAUSER SYNDROME. Identifiers: Orphanet 475, MedGen C5979921, MONDO:0018772.

Allele frequency attached by ClinVar (database versions not stated): gnomAD exomes below 0.00001.
gnomAD v4.1: 1 of 1,553,798 alleles (0.000064%); highest among the groups gnomAD compares: South Asian, 0.0011%; no homozygotes.

Submission:

Labcorp Genetics (formerly Invitae), Labcorp
Classification: Uncertain significance for Joubert syndrome; Meckel-Gruber syndrome. Last evaluated: 2018-07-17. Review status: criteria provided, single submitter. Criteria: Invitae Variant Classification Sherloc (09022015). Collection method: clinical testing. Allele origin: germline.
Comment: This sequence change replaces isoleucine with threonine at codon 885 of the TMEM67 protein (p.Ile885Thr). The isoleucine residue is highly conserved and there is a moderate physicochemical difference between isoleucine and threonine. This variant is not present in population databases (ExAC no frequency). This variant has not been reported in the literature in individuals with TMEM67-related disease. Algorithms developed to predict the effect of missense changes on protein structure and function do not agree on the potential impact of this missense change (SIFT: "Deleterious"; PolyPhen-2: "Probably Damaging"; Align-GVGD: "Class C0"). In summary, the available evidence is currently insufficient to determine the role of this variant in disease. Therefore, it has been classified as a Variant of Uncertain Significance.